The following is an entry in ClinVar:

ClinVar aggregate classification (germline): Likely pathogenic (1 of 4 stars; one submission).

Submission:

GeneDx
Classification: Likely pathogenic. Last evaluated: 2016-02-22. Review status: criteria provided, single submitter. Criteria: GeneDx Variant Classification (06012015). Collection method: clinical testing. Allele origin: germline. Affected: yes.
Comment: The c.274+1G>T variant in the RGS2 gene has not been reported previously as a pathogenic variant nor as a benign variant, to our knowledge. This splice site variant destroys the canonical splice donor site in intron 3. It is predicted to cause abnormal gene splicing, either leading to an abnormal message that is subject to nonsense-mediated mRNA decay, or to an abnormal protein product if the message is used for protein translation. The c.274+1G>T variant was not observed in approximately 6500 individuals of European and African American ancestry in the NHLBI Exome Sequencing Project, indicating it is not a common benign variant in these populations. The c.274+1G>T variant is a strong candidate for a pathogenic variant. However the possibility it may be a rare benign variant cannot be excluded.

NM_002923.4(RGS2):c.274+1G>T

Gene: RGS2 (regulator of G protein signaling 2; plus strand). Cytogenetic location: 1q31.2.
Variant type: single nucleotide variant.
Coding change: c.274+1G>T on transcript NM_002923.4 (MANE Select); the canonical splice donor site of the intron after coding-DNA position 274, G replaced by T.
Molecular consequence: splice donor variant.
Genome position (GRCh38, 1-based): chr1:192,810,432, G>T. VCF-style: chr1-192810432-G-T. GRCh37 (hg19) VCF-style: chr1-192779562-G-T.
Identifiers: ClinVar variation 372899 (VCV000372899.1), dbSNP rs547204431, ClinGen allele CA16042305.